The following is an entry in ClinVar:

NC_000001.10:g.(?_16370276)_(16372182_16373029)del

Gene: CLCNKB (chloride voltage-gated channel Kb; plus strand). Cytogenetic location: 1p36.13.
Variant type: Deletion.
Identifiers: ClinVar variation 3366530 (VCV003366530.1).

ClinVar aggregate classification (germline): Pathogenic (1 of 4 stars; one submission).

Conditions:
Bartter syndrome. Identifiers: Orphanet 112, MedGen C0004775, MONDO:0015231.

Submission:

Women's Health and Genetics/Laboratory Corporation of America, LabCorp
Classification: Pathogenic for Bartter syndrome. Last evaluated: 2024-08-02. Review status: criteria provided, single submitter. Criteria: LabCorp Variant Classification Summary - May 2015. Collection method: clinical testing. Allele origin: germline.
Comment: Variant summary: The variant involves the deletion of exons 1-3 in the CLCNKB gene. A presumed nomenclature of c.(?_-107)_(229+1_230-1)del has been designated for the purposes of this classification. The exact breakpoint at the 5' end of this variant is unknown, therefore this deletion may extend upstream of the annotated region of this gene. Although the exact breakpoints of this deletion are not known, it is predicted to remove the initiation codon and result in an absence of protein or a truncation of the encoded protein due to translation initiation at a downstream site. The variant was absent in 18180 control chromosomes (gnomAD, structural variants dataset). c.(?_-107)_(229+1_230-1)del has been reported in the literature in at least one individual affected with Bartter Syndrome, Type 3 (e.g. Otsubo_2021). These data suggest the variant is likely associated with disease. To our knowledge, no experimental evidence demonstrating an impact on protein function has been reported. The following publication has been ascertained in the context of this evaluation (PMID: 33827883). No submitters have cited clinical-significance assessments for this variant to ClinVar. Based on the evidence outlined above, the variant was classified as pathogenic.

Literature cited by the submitters: PubMed 33827883.